The following is an entry in ClinVar:

ClinVar aggregate classification (germline): Pathogenic (1 of 4 stars; one submission).

Conditions:
Hereditary cancer-predisposing syndrome. Also called: Neoplastic Syndromes, Hereditary; Tumor predisposition; Hereditary Cancer Syndrome; Hereditary neoplastic syndrome. Identifiers: Orphanet 140162, MedGen C0027672, MeSH D009386, MONDO:0015356.

Submission:

Ambry Genetics
Classification: Pathogenic for Hereditary cancer-predisposing syndrome. Last evaluated: 2025-03-11. Review status: criteria provided, single submitter. Criteria: Ambry Variant Classification Scheme 2023. Collection method: clinical testing. Allele origin: germline.
Comment: The c.6274dupT pathogenic mutation, located in coding exon 42 of the ATM gene, results from a duplication of T at nucleotide position 6274, causing a translational frameshift with a predicted alternate stop codon (p.C2092Lfs*3). This variant is considered to be rare based on population cohorts in the Genome Aggregation Database (gnomAD). This alteration is expected to result in loss of function by premature protein truncation or nonsense-mediated mRNA decay. As such, this alteration is interpreted as a disease-causing mutation.

NM_000051.4(ATM):c.6274dup (p.Cys2092fs)

Genes: ATM (ATM serine/threonine kinase; plus strand), C11orf65 (chromosome 11 open reading frame 65; minus strand). Cytogenetic location: 11q22.3.
Variant type: Duplication.
Coding change: c.6274dup on transcript NM_000051.4 (MANE Select); coding-DNA position 6274, one base duplicated (T; older notation c.6274dupT).
Protein change: p.Cys2092fs; shifts the reading frame from cysteine 2092.
Molecular consequence: frameshift variant. On other transcripts: intron variant (2).
Genome position (GRCh38, 1-based): chr11:108,317,448, T duplicated. VCF-style (leftmost placement, unchanged base first): chr11-108317447-G-GT. GRCh37 (hg19) VCF-style: chr11-108188174-G-GT.
Other names: c.*39-8377dup (NM_001351110.2); c.6274dup, p.Cys2092fs (NM_001351834.2); c.641-8377dup (NM_001330368.2); c.6274dupT (NM_000051.3); short protein forms C2092fs.
Identifiers: ClinVar variation 3802746 (VCV003802746.1).